The following is an entry in ClinVar:

NM_000038.6(APC):c.3538A>T (p.Ser1180Cys)

Gene: APC (APC regulator of Wnt signaling pathway; plus strand). Cytogenetic location: 5q22.2.
Variant type: single nucleotide variant.
Coding change: c.3538A>T on transcript NM_000038.6 (MANE Select); coding-DNA position 3538, A replaced by T.
Protein change: p.Ser1180Cys; replaces serine 1180 with cysteine.
Molecular consequence: missense variant. On other transcripts: non-coding transcript variant (2).
Genome position (GRCh38, 1-based): chr5:112,839,132, A>T. VCF-style: chr5-112839132-A-T. GRCh37 (hg19) VCF-style: chr5-112174829-A-T.
Other names: c.3538A>T, p.Ser1180Cys (NM_001127510.3, NM_001354895.2, NM_001407450.1); c.3484A>T, p.Ser1162Cys (NM_001127511.3); c.3592A>T, p.Ser1198Cys (NM_001354896.2, NM_001407447.1, NM_001407448.1 and 1 more transcripts); c.3568A>T, p.Ser1190Cys (NM_001354897.2); c.3463A>T, p.Ser1155Cys (NM_001354898.2); c.3454A>T, p.Ser1152Cys (NM_001354899.2); c.3415A>T, p.Ser1139Cys (NM_001354900.2); c.3361A>T, p.Ser1121Cys (NM_001354901.2, NM_001407453.1); and 11 more; short protein forms S1020C, S1051C, S1054C, S1079C, S1089C, S1097C, S1121C, S1139C.
Identifiers: ClinVar variation 4801470 (VCV004801470.1).
Genomic context (GRCh38, chr5:112,839,132, plus strand): 5'-ACAAATTATAGCATAAAATATAATGAAGAGAAACGTCATGTGGATCAGCCTATTGATTAT[A>T]GTTTAAAATATGCCACAGATATTCCTTCATCACAGAAACAGTCATTTTCATTCTCAAAGA-3'
Protein context (NP_000029.2, residues 1170-1190): KRHVDQPIDY[Ser1180Cys]LKYATDIPSS

ClinVar aggregate classification (germline): Uncertain significance (1 of 4 stars; one submission).

Conditions:
Familial adenomatous polyposis 1 (FAP1). Also called: FAMILIAL ADENOMATOUS POLYPOSIS 1, ATTENUATED; POLYPOSIS, ADENOMATOUS INTESTINAL. Identifiers: MedGen C2713442, MONDO:0021056, OMIM 175100. Disease mechanism: loss of function.

Submission:

Labcorp Genetics (formerly Invitae), Labcorp
Classification: Uncertain significance for Familial adenomatous polyposis 1. Last evaluated: 2025-08-20. Review status: criteria provided, single submitter. Criteria: Invitae Variant Classification Sherloc (09022015). Collection method: clinical testing. Allele origin: germline.
Comment: This sequence change replaces serine, which is neutral and polar, with cysteine, which is neutral and slightly polar, at codon 1180 of the APC protein (p.Ser1180Cys). This variant is not present in population databases (gnomAD no frequency). This variant has not been reported in the literature in individuals affected with APC-related conditions. Invitae Evidence Modeling of protein sequence and biophysical properties (such as structural, functional, and spatial information, amino acid conservation, physicochemical variation, residue mobility, and thermodynamic stability) has been performed for this missense variant. However, the output from this modeling did not meet the statistical confidence thresholds required to predict the impact of this variant on APC protein function. In summary, the available evidence is currently insufficient to determine the role of this variant in disease. Therefore, it has been classified as a Variant of Uncertain Significance.